The following is an entry in ClinVar:

ClinVar aggregate classification (germline): Uncertain significance (1 of 4 stars; one submission).

Conditions:
Infantile neuroaxonal dystrophy (NBIA2A). Also called: NEURODEGENERATION WITH BRAIN IRON ACCUMULATION 2A; SEITELBERGER DISEASE; Infantile neuroaxonal dystrophy 1. Identifiers: Orphanet 35069, MedGen C0270724, MONDO:0024457, OMIM 256600.

Allele frequency attached by ClinVar (database versions not stated): gnomAD exomes below 0.00001.
gnomAD v4.1: 1 of 1,605,960 alleles (0.000062%); highest among the groups gnomAD compares: East Asian, 0.0023%; no homozygotes.

Submission:

Labcorp Genetics (formerly Invitae), Labcorp
Classification: Uncertain significance for Infantile neuroaxonal dystrophy. Last evaluated: 2022-03-08. Review status: criteria provided, single submitter. Criteria: Invitae Variant Classification Sherloc (09022015). Collection method: clinical testing. Allele origin: germline.
Comment: In summary, the available evidence is currently insufficient to determine the role of this variant in disease. Therefore, it has been classified as a Variant of Uncertain Significance. Advanced modeling of protein sequence and biophysical properties (such as structural, functional, and spatial information, amino acid conservation, physicochemical variation, residue mobility, and thermodynamic stability) performed at Invitae indicates that this missense variant is not expected to disrupt PLA2G6 protein function. This variant has not been reported in the literature in individuals affected with PLA2G6-related conditions. This variant is not present in population databases (gnomAD no frequency). This sequence change replaces serine, which is neutral and polar, with arginine, which is basic and polar, at codon 276 of the PLA2G6 protein (p.Ser276Arg).

NM_003560.4(PLA2G6):c.826A>C (p.Ser276Arg)

Gene: PLA2G6 (phospholipase A2 group VI; minus strand). Cytogenetic location: 22q13.1.
Variant type: single nucleotide variant.
Coding change: c.826A>C on transcript NM_003560.4 (MANE Select); coding-DNA position 826, A replaced by C.
Protein change: p.Ser276Arg; replaces serine 276 with arginine.
Molecular consequence: missense variant.
Genome position (GRCh38, 1-based): chr22:38,135,056, T>G on the plus strand (A>C on the coding strand, the complement: PLA2G6 is on the minus strand). VCF-style: chr22-38135056-T-G. GRCh37 (hg19) VCF-style: chr22-38531063-T-G.
Other names: c.826A>C, p.Ser276Arg (NM_001004426.3, NM_001199562.3, NM_001349864.2 and 2 more transcripts); c.292A>C, p.Ser98Arg (NM_001349867.2, NM_001349869.2); c.148A>C, p.Ser50Arg (NM_001349868.2); short protein forms S276R, S98R, S50R.
Identifiers: ClinVar variation 1511884 (VCV001511884.6), dbSNP rs2088466825, ClinGen allele CA411531145.